The following is an entry in ClinVar:

ClinVar aggregate classification (germline): Uncertain significance (1 of 4 stars; one submission).

Submission:

Ambry Genetics
Classification: Uncertain significance. Last evaluated: 2021-12-18. Review status: criteria provided, single submitter. Criteria: Ambry Variant Classification Scheme 2023. Collection method: clinical testing. Allele origin: germline.
Comment: The p.N308S variant (also known as c.923A>G), located in coding exon 9 of the SLMAP gene, results from an A to G substitution at nucleotide position 923. The asparagine at codon 308 is replaced by serine, an amino acid with highly similar properties. This amino acid position is conserved. In addition, this alteration is predicted to be tolerated by in silico analysis. Since supporting evidence is limited at this time, the clinical significance of this alteration remains unclear.

NM_001377540.1(SLMAP):c.923A>G (p.Asn308Ser)

Gene: SLMAP (sarcolemma associated protein; plus strand). Cytogenetic location: 3p14.3.
Variant type: single nucleotide variant.
Coding change: c.923A>G on transcript NM_001377540.1 (MANE Select); coding-DNA position 923, A replaced by G.
Protein change: p.Asn308Ser; replaces asparagine 308 with serine.
Molecular consequence: missense variant. On other transcripts: non-coding transcript variant (1).
Genome position (GRCh38, 1-based): chr3:57,862,043, A>G. VCF-style: chr3-57862043-A-G. GRCh37 (hg19) VCF-style: chr3-57847770-A-G.
Other names: c.923A>G, p.Asn308Ser (NM_001304420.3, NM_001304421.2, NM_001377538.1 and 17 more transcripts); short protein forms N308S.
Identifiers: ClinVar variation 1766279 (VCV001766279.2), dbSNP rs2473441769, ClinGen allele CA353408003.